The following is an entry in ClinVar:

ClinVar aggregate classification (germline): Uncertain significance (1 of 4 stars; one submission).

Conditions:
Fanconi anemia (FA). Also called: Fanconi's anemia. Identifiers: Orphanet 84, MedGen C0015625, MeSH D005199, MONDO:0019391.

Submission:

Labcorp Genetics (formerly Invitae), Labcorp
Classification: Uncertain significance for Fanconi anemia. Last evaluated: 2023-10-28. Review status: criteria provided, single submitter. Criteria: Invitae Variant Classification Sherloc (09022015). Collection method: clinical testing. Allele origin: germline.
Comment: This sequence change replaces alanine, which is neutral and non-polar, with valine, which is neutral and non-polar, at codon 1283 of the SLX4 protein (p.Ala1283Val). This variant is not present in population databases (gnomAD no frequency). This variant has not been reported in the literature in individuals affected with SLX4-related conditions. An algorithm developed to predict the effect of missense changes on protein structure and function (PolyPhen-2) suggests that this variant is likely to be tolerated. In summary, the available evidence is currently insufficient to determine the role of this variant in disease. Therefore, it has been classified as a Variant of Uncertain Significance.

NM_032444.4(SLX4):c.3848C>T (p.Ala1283Val)

Gene: SLX4 (SLX4 structure-specific endonuclease subunit; minus strand). Cytogenetic location: 16p13.3.
Variant type: single nucleotide variant.
Coding change: c.3848C>T on transcript NM_032444.4 (MANE Select); coding-DNA position 3848, C replaced by T.
Protein change: p.Ala1283Val; replaces alanine 1283 with valine.
Molecular consequence: missense variant.
Genome position (GRCh38, 1-based): chr16:3,589,790, G>A on the plus strand (C>T on the coding strand, the complement: SLX4 is on the minus strand). VCF-style: chr16-3589790-G-A. GRCh37 (hg19) VCF-style: chr16-3639791-G-A.
Other names: short protein forms A1283V.
Identifiers: ClinVar variation 2787280 (VCV002787280.3), dbSNP rs140103960, ClinGen allele CA276958715.